The following is an entry in ClinVar:

NM_052854.4(CREB3L1):c.1076A>G (p.Asn359Ser)

Gene: CREB3L1 (cAMP responsive element binding protein 3 like 1; plus strand). Cytogenetic location: 11p11.2.
Variant type: single nucleotide variant.
Coding change: c.1076A>G on transcript NM_052854.4 (MANE Select); coding-DNA position 1076, A replaced by G.
Protein change: p.Asn359Ser; replaces asparagine 359 with serine.
Molecular consequence: missense variant.
Genome position (GRCh38, 1-based): chr11:46,316,330, A>G. VCF-style: chr11-46316330-A-G. GRCh37 (hg19) VCF-style: chr11-46337881-A-G.
Other names: short protein forms N359S.
Identifiers: ClinVar variation 2111037 (VCV002111037.4), dbSNP rs746441038, ClinGen allele CA5961766.

ClinVar aggregate classification (germline): Uncertain significance (1 of 4 stars; one submission).

Allele frequency attached by ClinVar (database versions not stated): ExAC 0.00004.
gnomAD v4.1: 8 of 1,575,960 alleles (0.00051%); highest among the groups gnomAD compares: South Asian, 0.007%; no homozygotes.

Submission:

Labcorp Genetics (formerly Invitae), Labcorp
Classification: Uncertain significance. Last evaluated: 2022-03-13. Review status: criteria provided, single submitter. Criteria: Invitae Variant Classification Sherloc (09022015). Collection method: clinical testing. Allele origin: germline.
Comment: In summary, the available evidence is currently insufficient to determine the role of this variant in disease. Therefore, it has been classified as a Variant of Uncertain Significance. Algorithms developed to predict the effect of missense changes on protein structure and function output the following: SIFT: "Tolerated"; PolyPhen-2: "Benign"; Align-GVGD: "Class C0". The serine amino acid residue is found in multiple mammalian species, which suggests that this missense change does not adversely affect protein function. This variant has not been reported in the literature in individuals affected with CREB3L1-related conditions. The frequency data for this variant in the population databases is considered unreliable, as metrics indicate poor data quality at this position in the gnomAD database. This sequence change replaces asparagine, which is neutral and polar, with serine, which is neutral and polar, at codon 359 of the CREB3L1 protein (p.Asn359Ser).